The following is an entry in ClinVar:

ClinVar aggregate classification (germline): Uncertain significance (1 of 4 stars; one submission).

gnomAD v4.1: 1 of 1,609,054 alleles (0.000062%); highest among the groups gnomAD compares: Non-Finnish European, 0.000085%; no homozygotes.

Submission:

Labcorp Genetics (formerly Invitae), Labcorp
Classification: Uncertain significance. Last evaluated: 2024-08-20. Review status: criteria provided, single submitter. Criteria: Invitae Variant Classification Sherloc (09022015). Collection method: clinical testing. Allele origin: germline.
Comment: This sequence change replaces aspartic acid, which is acidic and polar, with glycine, which is neutral and non-polar, at codon 119 of the NEDD4L protein (p.Asp119Gly). This variant is not present in population databases (gnomAD no frequency). This variant has not been reported in the literature in individuals affected with NEDD4L-related conditions. ClinVar contains an entry for this variant (Variation ID: 1037744). Invitae Evidence Modeling of protein sequence and biophysical properties (such as structural, functional, and spatial information, amino acid conservation, physicochemical variation, residue mobility, and thermodynamic stability) indicates that this missense variant is not expected to disrupt NEDD4L protein function with a negative predictive value of 80%. In summary, the available evidence is currently insufficient to determine the role of this variant in disease. Therefore, it has been classified as a Variant of Uncertain Significance.

NM_001144967.3(NEDD4L):c.356A>G (p.Asp119Gly)

Gene: NEDD4L (NEDD4 like E3 ubiquitin protein ligase; plus strand). Cytogenetic location: 18q21.31.
Variant type: single nucleotide variant.
Coding change: c.356A>G on transcript NM_001144967.3 (MANE Select); coding-DNA position 356, A replaced by G.
Protein change: p.Asp119Gly; replaces aspartic acid 119 with glycine.
Molecular consequence: missense variant. On other transcripts: 5 prime UTR variant (5).
Genome position (GRCh38, 1-based): chr18:58,322,432, A>G. VCF-style: chr18-58322432-A-G. GRCh37 (hg19) VCF-style: chr18-55989664-A-G.
Other names: c.-8A>G (NM_001144964.1, NM_001144965.2, NM_001144966.3 and 2 more transcripts); c.332A>G, p.Asp111Gly (NM_001144968.2, NM_001144969.2); c.356A>G, p.Asp119Gly (NM_001243960.2, NM_015277.6); short protein forms D111G, D119G.
Identifiers: ClinVar variation 1037744 (VCV001037744.6), dbSNP rs755584937, ClinGen allele CA402551036.
Genomic context (GRCh38, chr18:58,322,432, plus strand): 5'-AACATGAAATTATTAGGAATATTAAAATTTAATTTACTGTTTTTTCCCCACAGACAGAAG[A>G]TCCAACCATGGAGCGACCCTATACATTTAAGGACTTTCTCCTCAGACCAAGAAGGTGAGG-3'
Protein context (NP_001138439.1, residues 109-129): DVPLSHLPTE[Asp119Gly]PTMERPYTFK